The following is an entry in ClinVar:

NM_001283009.2(RTEL1):c.3626C>G (p.Pro1209Arg)

Genes: RTEL1 (regulator of telomere elongation helicase 1; plus strand), RTEL1-TNFRSF6B (RTEL1-TNFRSF6B readthrough (NMD candidate); plus strand). Cytogenetic location: 20q13.33.
Variant type: single nucleotide variant.
Coding change: c.3626C>G on transcript NM_001283009.2 (MANE Select); coding-DNA position 3626, C replaced by G.
Protein change: p.Pro1209Arg; replaces proline 1209 with arginine.
Molecular consequence: missense variant. On other transcripts: non-coding transcript variant (1).
Genome position (GRCh38, 1-based): chr20:63,695,454, C>G. VCF-style: chr20-63695454-C-G. GRCh37 (hg19) VCF-style: chr20-62326807-C-G.
Other names: c.2957C>G, p.Pro986Arg (NM_001283010.1); c.3626C>G, p.Pro1209Arg (NM_016434.4); c.3698C>G, p.Pro1233Arg (NM_032957.5); short protein forms P1209R, P1233R, P986R.
Identifiers: ClinVar variation 3948354 (VCV003948354.1).

ClinVar aggregate classification (germline): Uncertain significance (1 of 4 stars; one submission).

Conditions:
Inborn genetic diseases. Identifiers: MedGen C0950123, MeSH D030342.

gnomAD v4.1: 1 of 1,589,850 alleles (0.000063%); highest among the groups gnomAD compares: Non-Finnish European, 0.000086%; no homozygotes.

Submission:

Ambry Genetics
Classification: Uncertain significance for Inborn genetic diseases. Last evaluated: 2025-04-25. Review status: criteria provided, single submitter. Criteria: Ambry Variant Classification Scheme 2023. Collection method: clinical testing. Allele origin: germline.
Comment: The p.P1209R variant (also known as c.3626C>G), located in coding exon 33 of the RTEL1 gene, results from a C to G substitution at nucleotide position 3626. The proline at codon 1209 is replaced by arginine, an amino acid with dissimilar properties. This amino acid position is conserved. In addition, this alteration is predicted to be tolerated by in silico analysis. Based on the available evidence, the clinical significance of this variant remains unclear.